The following is an entry in ClinVar:

ClinVar aggregate classification (germline): Uncertain significance. Review status: criteria provided, single submitter (1 of 4 stars). 2 submissions from 2 submitters: Uncertain significance (1). 1 of the submissions does not count toward it. Last evaluated 2023-05-11.

Conditions:
Bifunctional peroxisomal enzyme deficiency (DBIF). Also called: DBP DEFICIENCY; PBFE DEFICIENCY; D-bifunctional protein deficiency. Identifiers: Orphanet 300, MedGen C0342870, MONDO:0009855, OMIM 261515. Disease mechanism: loss of function.
Perrault syndrome. Also called: Gonadal dysgenesis with auditory dysfunction, autosomal recessive inheritance. Identifiers: Orphanet 2855, MedGen C0685838, MONDO:0017312.

Submissions (2):

Labcorp Genetics (formerly Invitae), Labcorp
Classification: Uncertain significance for Perrault syndrome; Bifunctional peroxisomal enzyme deficiency. Last evaluated: 2023-05-11. Review status: criteria provided, single submitter. Criteria: Invitae Variant Classification Sherloc (09022015). Collection method: clinical testing. Allele origin: germline.
Comment: In summary, the available evidence is currently insufficient to determine the role of this variant in disease. Therefore, it has been classified as a Variant of Uncertain Significance. Advanced modeling of protein sequence and biophysical properties (such as structural, functional, and spatial information, amino acid conservation, physicochemical variation, residue mobility, and thermodynamic stability) has been performed at Invitae for this missense variant, however the output from this modeling did not meet the statistical confidence thresholds required to predict the impact of this variant on HSD17B4 protein function. This variant has not been reported in the literature in individuals affected with HSD17B4-related conditions. This variant is not present in population databases (gnomAD no frequency). This sequence change replaces serine, which is neutral and polar, with tyrosine, which is neutral and polar, at codon 540 of the HSD17B4 protein (p.Ser540Tyr).

Natera, Inc.
Classification: Uncertain significance for Bifunctional peroxisomal enzyme deficiency. Last evaluated: 2025-05-29. Review status: no assertion criteria provided. Collection method: clinical testing. Allele origin: germline. Not counted in ClinVar's aggregate classification.

NM_000414.4(HSD17B4):c.1619C>A (p.Ser540Tyr)

Gene: HSD17B4 (hydroxysteroid 17-beta dehydrogenase 4; plus strand). Cytogenetic location: 5q23.1.
Variant type: single nucleotide variant.
Coding change: c.1619C>A on transcript NM_000414.4 (MANE Select); coding-DNA position 1619, C replaced by A.
Protein change: p.Ser540Tyr; replaces serine 540 with tyrosine.
Molecular consequence: missense variant. On other transcripts: non-coding transcript variant (2).
Genome position (GRCh38, 1-based): chr5:119,525,962, C>A. VCF-style: chr5-119525962-C-A. GRCh37 (hg19) VCF-style: chr5-118861657-C-A.
Other names: c.1619C>A (NM_000414.3); c.1694C>A, p.Ser565Tyr (NM_001199291.3); c.1565C>A, p.Ser522Tyr (NM_001199292.2); c.1547C>A, p.Ser516Tyr (NM_001292027.2, NM_001374498.1); c.1199C>A, p.Ser400Tyr (NM_001292028.2); c.1610C>A, p.Ser537Tyr (NM_001374497.1); c.1292C>A, p.Ser431Tyr (NM_001374499.1); c.1178C>A, p.Ser393Tyr (NM_001374500.1); and 1 more; short protein forms S393Y, S516Y, S537Y, S403Y, S431Y, S522Y, S540Y, S400Y.
Identifiers: ClinVar variation 2940154 (VCV002940154.4), dbSNP rs770365591, ClinGen allele CA360869297.